The following is an entry in ClinVar:

NM_017763.6(RNF43):c.2186T>C (p.Leu729Pro)

Gene: RNF43 (ring finger protein 43; minus strand). Cytogenetic location: 17q22.
Variant type: single nucleotide variant.
Coding change: c.2186T>C on transcript NM_017763.6 (MANE Select); coding-DNA position 2186, T replaced by C.
Protein change: p.Leu729Pro; replaces leucine 729 with proline.
Molecular consequence: missense variant.
Genome position (GRCh38, 1-based): chr17:58,357,590, A>G on the plus strand (T>C on the coding strand, the complement: RNF43 is on the minus strand). VCF-style: chr17-58357590-A-G. GRCh37 (hg19) VCF-style: chr17-56434951-A-G.
Other names: c.2186T>C, p.Leu729Pro (NM_001305544.3); c.1805T>C, p.Leu602Pro (NM_001305545.2); short protein forms L729P, L602P.
Identifiers: ClinVar variation 3789957 (VCV003789957.1).

ClinVar aggregate classification (germline): Uncertain significance (1 of 4 stars; one submission).

Submission:

Ambry Genetics
Classification: Uncertain significance. Last evaluated: 2025-02-23. Review status: criteria provided, single submitter. Criteria: Ambry Variant Classification Scheme 2023. Collection method: clinical testing. Allele origin: germline.
Comment: The p.L729P variant (also known as c.2186T>C), located in coding exon 8 of the RNF43 gene, results from a T to C substitution at nucleotide position 2186. The leucine at codon 729 is replaced by proline, an amino acid with similar properties. This amino acid position is conserved. In addition, the in silico prediction for this alteration is inconclusive. Based on the available evidence, the clinical significance of this variant remains unclear.